The following is an entry in ClinVar:

NM_001330360.2(POLA1):c.400G>A (p.Val134Met)

Gene: POLA1 (DNA polymerase alpha 1, catalytic subunit; plus strand). Cytogenetic location: Xp22.11.
Variant type: single nucleotide variant.
Coding change: c.400G>A on transcript NM_001330360.2 (MANE Select); coding-DNA position 400, G replaced by A.
Protein change: p.Val134Met; replaces valine 134 with methionine.
Molecular consequence: missense variant. On other transcripts: non-coding transcript variant (2).
Genome position (GRCh38, 1-based): chrX:24,714,607, G>A. VCF-style: chrX-24714607-G-A. GRCh37 (hg19) VCF-style: chrX-24732724-G-A.
Other names: c.400G>A, p.Val134Met (NM_001378303.1); c.382G>A, p.Val128Met (NM_016937.4); short protein forms V128M, V134M.
Identifiers: ClinVar variation 1715420 (VCV001715420.5), dbSNP rs2518753758, ClinGen allele CA412526808.

ClinVar aggregate classification (germline): Uncertain significance (1 of 4 stars; one submission).

Submission:

Labcorp Genetics (formerly Invitae), Labcorp
Classification: Uncertain significance. Last evaluated: 2022-08-08. Review status: criteria provided, single submitter. Criteria: Invitae Variant Classification Sherloc (09022015). Collection method: clinical testing. Allele origin: germline.
Comment: In summary, the available evidence is currently insufficient to determine the role of this variant in disease. Therefore, it has been classified as a Variant of Uncertain Significance. Algorithms developed to predict the effect of missense changes on protein structure and function are either unavailable or do not agree on the potential impact of this missense change (SIFT: "Deleterious"; PolyPhen-2: "Probably Damaging"; Align-GVGD: "Class C15"). This variant has not been reported in the literature in individuals affected with POLA1-related conditions. This variant is not present in population databases (gnomAD no frequency). This sequence change replaces valine, which is neutral and non-polar, with methionine, which is neutral and non-polar, at codon 128 of the POLA1 protein (p.Val128Met).